The following is an entry in ClinVar:

ClinVar aggregate classification (germline): Uncertain significance. Review status: criteria provided, multiple submitters, no conflicts (2 of 4 stars). 2 submissions from 2 submitters: Uncertain significance (2). Last evaluated 2018-09-04.

Conditions:
Epileptic encephalopathy. Identifiers: MedGen C0543888, HP:0200134.

Allele frequency attached by ClinVar (database versions not stated): gnomAD exomes 0.00002 and 0.00001; gnomAD 0.00015 and 0.00014; TOPMed 0.00017; ExAC 0.00005; 1000 Genomes Project 30x 0.00078; ESP Exome Variant Server 0.00016; 1000 Genomes Project 0.00100.
gnomAD v4.1: 42 of 1,613,986 alleles (0.0026%); highest among the groups gnomAD compares: African/African-American, 0.052%; no homozygotes.

Submissions (2):

Labcorp Genetics (formerly Invitae), Labcorp
Classification: Uncertain significance for Epileptic encephalopathy. Last evaluated: 2018-09-04. Review status: criteria provided, single submitter. Criteria: Invitae Variant Classification Sherloc (09022015). Collection method: clinical testing. Allele origin: germline.
Comment: This sequence change replaces asparagine with aspartic acid at codon 4334 of the RYR3 protein (p.Asn4334Asp). The asparagine residue is weakly conserved and there is a small physicochemical difference between asparagine and aspartic acid. This variant is present in population databases (rs139249269, ExAC 0.06%). This variant has not been reported in the literature in individuals with RYR3-related disease. Algorithms developed to predict the effect of missense changes on protein structure and function output the following: SIFT: "Tolerated"; PolyPhen-2: "Benign"; Align-GVGD: "Class C0". The aspartic acid amino acid residue is found in multiple mammalian species, suggesting that this missense change does not adversely affect protein function. These predictions have not been confirmed by published functional studies and their clinical significance is uncertain. In summary, the available evidence is currently insufficient to determine the role of this variant in disease. Therefore, it has been classified as a Variant of Uncertain Significance.

Breakthrough Genomics
Classification: Uncertain significance. Review status: criteria provided, single submitter. Criteria: ACMG Guidelines, 2015. Collection method: not provided. Allele origin: germline. Inheritance: Unknown mechanism. Affected: yes.

NM_001036.6(RYR3):c.13000A>G (p.Asn4334Asp)

Gene: RYR3 (ryanodine receptor 3; plus strand). Cytogenetic location: 15q14.
Variant type: single nucleotide variant.
Coding change: c.13000A>G on transcript NM_001036.6 (MANE Select); coding-DNA position 13000, A replaced by G.
Protein change: p.Asn4334Asp; replaces asparagine 4334 with aspartic acid.
Molecular consequence: missense variant.
Genome position (GRCh38, 1-based): chr15:33,840,846, A>G. VCF-style: chr15-33840846-A-G. GRCh37 (hg19) VCF-style: chr15-34133047-A-G.
Other names: c.12985A>G, p.Asn4329Asp (NM_001243996.4); short protein forms N4334D, N4329D.
Identifiers: ClinVar variation 577132 (VCV000577132.11), dbSNP rs139249269, ClinGen allele CA7461524.